The following is an entry in ClinVar:

NM_000257.4(MYH7):c.*6C>T

Gene: MYH7 (myosin heavy chain 7; minus strand). Cytogenetic location: 14q11.2.
Variant type: single nucleotide variant.
Coding change: c.*6C>T on transcript NM_000257.4 (MANE Select); 6 bases downstream of the stop codon, C replaced by T.
Molecular consequence: 3 prime UTR variant.
Genome position (GRCh38, 1-based): chr14:23,412,848, G>A on the plus strand (C>T on the coding strand, the complement: MYH7 is on the minus strand). VCF-style: chr14-23412848-G-A. GRCh37 (hg19) VCF-style: chr14-23882057-G-A.
Other names: c.*6C>T (NM_001407004.1).
Identifiers: ClinVar variation 3071962 (VCV003071962.2), dbSNP rs15808, ClinGen allele CA048747.
Genomic context (GRCh38, chr14:23,412,848, plus strand): 5'-TACACAGGCTCCAGCATGGGGCTTTGCTGGCACCTCCAGGGCTGAGCAGATCAAGATGTG[G>A]CAAAGCTACTCCTCATTCAAGCCCTTTTGAAAGGAAACAAAGTCCAATCAGTCCTTGGAG-3'

ClinVar aggregate classification (germline): Uncertain significance (1 of 4 stars; one submission).

Conditions:
Cardiomyopathy (CMYO). Also called: Cardiomyopathies. Identifiers: Orphanet 167848, MedGen C0878544, MONDO:0004994, HP:0001638. Inheritance: Various modes of inheritance.

Allele frequency attached by ClinVar (database versions not stated): ExAC 0.00003; gnomAD 0.00003; TOPMed 0.00003; ESP Exome Variant Server 0.00015.
gnomAD v4.1: 9 of 1,613,958 alleles (0.00056%); highest among the groups gnomAD compares: African/African-American, 0.012%; no homozygotes.

Submission:

All of Us Research Program, National Institutes of Health
Classification: Uncertain significance for Cardiomyopathy. Last evaluated: 2024-05-30. Review status: criteria provided, single submitter. Criteria: ACMG Guidelines, 2015. Collection method: clinical testing. Allele origin: germline. Inheritance: Autosomal dominant inheritance. Observed: 2 variant alleles, 2 heterozygotes.
Comment: This variant is located in the 3' untranslated region of the MYH7 protein. To our knowledge, functional studies have not been reported for this variant. This variant has not been reported in individuals affected with cardiovascular disorders in the literature. This variant has been identified in 7/282708 chromosomes in the general population by the Genome Aggregation Database (gnomAD). The available evidence is insufficient to determine the role of this variant in disease conclusively. Therefore, this variant is classified as a Variant of Uncertain Significance.

This study involves interpretation of variants in research participants for the purpose of population health screening. Participant phenotype was not available at the time of variant classification. Additional details can be found in publication PMID: 35346344, PMCID: PMC8962531